The following is an entry in ClinVar:

ClinVar aggregate classification (germline): Uncertain significance (1 of 4 stars; one submission).

Conditions:
EPILEPSY, CHILDHOOD ABSENCE, SUSCEPTIBILITY TO, 2 (ECA2). Identifiers: Orphanet 64280, MedGen C1843244, OMIM 607681.
Febrile seizures, familial, 8 (FEB8). Also called: CONVULSIONS, FAMILIAL FEBRILE, 8. Identifiers: Orphanet 36387, MedGen C1969810, MONDO:0011891, OMIM 607681.

Submission:

Labcorp Genetics (formerly Invitae), Labcorp
Classification: Uncertain significance for Febrile seizures, familial, 8; EPILEPSY, CHILDHOOD ABSENCE, SUSCEPTIBILITY TO, 2. Last evaluated: 2023-08-05. Review status: criteria provided, single submitter. Criteria: Invitae Variant Classification Sherloc (09022015). Collection method: clinical testing. Allele origin: germline.
Comment: This sequence change falls in intron 3 of the GABRG2 gene. It does not directly change the encoded amino acid sequence of the GABRG2 protein. It affects a nucleotide within the consensus splice site. This variant is not present in population databases (gnomAD no frequency). This variant has not been reported in the literature in individuals affected with GABRG2-related conditions. Variants that disrupt the consensus splice site are a relatively common cause of aberrant splicing (PMID: 17576681, 9536098). Algorithms developed to predict the effect of sequence changes on RNA splicing suggest that this variant may disrupt the consensus splice site. In summary, the available evidence is currently insufficient to determine the role of this variant in disease. Therefore, it has been classified as a Variant of Uncertain Significance.

Literature cited by the submitters: PubMed 17576681; PubMed 9536098.

NM_198904.4(GABRG2):c.328-3C>G

Gene: GABRG2 (gamma-aminobutyric acid type A receptor subunit gamma2; plus strand). Cytogenetic location: 5q34.
Variant type: single nucleotide variant.
Coding change: c.328-3C>G on transcript NM_198904.4 (MANE Select); 3 bases into the intron before coding-DNA position 328, C replaced by G.
Molecular consequence: intron variant.
Genome position (GRCh38, 1-based): chr5:162,097,635, C>G. VCF-style: chr5-162097635-C-G. GRCh37 (hg19) VCF-style: chr5-161524641-C-G.
Other names: c.43-3C>G (NM_001375349.1); c.328-3C>G (NM_001375343.1, NM_001375344.1, NM_001375340.1 and 4 more transcripts); c.-31-65C>G (NM_001375350.1, NM_001375348.1); c.319-3C>G (NM_001375339.1); c.262-3C>G (NM_001375346.1, NM_001375345.1); c.241-3C>G (NM_001375347.1).
Identifiers: ClinVar variation 2950707 (VCV002950707.3), dbSNP rs2113324863, ClinGen allele CA2740094168.